The following is an entry in ClinVar:

NM_002860.4(ALDH18A1):c.2088G>A (p.Thr696=)

Gene: ALDH18A1 (aldehyde dehydrogenase 18 family member A1; minus strand). Cytogenetic location: 10q24.1.
Variant type: single nucleotide variant.
Coding change: c.2088G>A on transcript NM_002860.4 (MANE Select); coding-DNA position 2088, G replaced by A.
Protein change: p.Thr696=; no amino-acid change (threonine 696 retained).
Molecular consequence: synonymous variant.
Genome position (GRCh38, 1-based): chr10:95,611,278, C>T on the plus strand (G>A on the coding strand, the complement: ALDH18A1 is on the minus strand). VCF-style: chr10-95611278-C-T. GRCh37 (hg19) VCF-style: chr10-97371035-C-T.
Other names: c.2088G>A, p.Thr696= (NM_001323414.2, NM_001323413.2); c.2082G>A, p.Thr694= (NM_001323415.2, NM_001017423.2); c.1755G>A, p.Thr585= (NM_001323416.2, NM_001323412.2); c.1983G>A, p.Thr661= (NM_001323417.2); c.1749G>A, p.Thr583= (NM_001323418.2); c.1452G>A, p.Thr484= (NM_001323419.2).
Identifiers: ClinVar variation 2640710 (VCV002640710.27), dbSNP rs771292407, ClinGen allele CA5620158.

ClinVar aggregate classification (germline): Likely benign. Review status: criteria provided, multiple submitters, no conflicts (2 of 4 stars). 2 submissions from 2 submitters: Likely benign (2). Last evaluated 2023-02-25.

Conditions:
Cutis laxa, autosomal dominant 3 (ADCL3). Identifiers: Orphanet 90348, MedGen C4225268, MONDO:0014706, OMIM 616603.
Autosomal dominant spastic paraplegia type 9. Identifiers: MedGen C1832669, MONDO:0015091.
de Barsy syndrome. Also called: Cutis laxa-corneal clouding-oligophrenia syndrome. Identifiers: Orphanet 2962, MedGen C0268354, MONDO:0017569.

Allele frequency attached by ClinVar (database versions not stated): TOPMed below 0.00001; gnomAD 0.00001; gnomAD exomes 0.00001; ExAC 0.00002.
gnomAD v4.1: 16 of 1,613,974 alleles (0.00099%); highest among the groups gnomAD compares: Admixed American, 0.0067%; no homozygotes.

Submissions (2):

Labcorp Genetics (formerly Invitae), Labcorp
Classification: Likely benign for Autosomal dominant spastic paraplegia type 9; de Barsy syndrome; Cutis laxa, autosomal dominant 3. Last evaluated: 2023-02-25. Review status: criteria provided, single submitter. Criteria: Invitae Variant Classification Sherloc (09022015). Collection method: clinical testing. Allele origin: germline.

CeGaT Center for Human Genetics Tuebingen
Classification: Likely benign. Last evaluated: 2022-11-01. Review status: criteria provided, single submitter. Criteria: CeGaT Center For Human Genetics Tuebingen Variant Classification Criteria Version 2. Collection method: clinical testing. Allele origin: germline. Affected: yes. Observed: 1 variant allele.
Comment: ALDH18A1: BP4, BP7